The following is an entry in ClinVar:

ClinVar aggregate classification (germline): Uncertain significance (1 of 4 stars; one submission).

Conditions:
Cardiovascular phenotype. Identifiers: MedGen CN230736.

Allele frequency attached by ClinVar (database versions not stated): TOPMed below 0.00001; gnomAD 0.00001; ExAC 0.00002; gnomAD exomes 0.00004.
gnomAD v4.1: 65 of 1,613,874 alleles (0.004%); highest among the groups gnomAD compares: Non-Finnish European, 0.0053%; no homozygotes.

Submission:

Ambry Genetics
Classification: Uncertain significance for Cardiovascular phenotype. Last evaluated: 2022-05-02. Review status: criteria provided, single submitter. Criteria: Ambry Variant Classification Scheme 2023. Collection method: clinical testing. Allele origin: germline.
Comment: The p.I58N variant (also known as c.173T>A), located in coding exon 2 of the TRDN gene, results from a T to A substitution at nucleotide position 173. The isoleucine at codon 58 is replaced by asparagine, an amino acid with dissimilar properties. This amino acid position is not well conserved in available vertebrate species. In addition, the in silico prediction for this alteration is inconclusive. Since supporting evidence is limited at this time, the clinical significance of this alteration remains unclear.

NM_006073.4(TRDN):c.173T>A (p.Ile58Asn)

Gene: TRDN (triadin; minus strand). Cytogenetic location: 6q22.31.
Variant type: single nucleotide variant.
Coding change: c.173T>A on transcript NM_006073.4 (MANE Select); coding-DNA position 173, T replaced by A.
Protein change: p.Ile58Asn; replaces isoleucine 58 with asparagine.
Molecular consequence: missense variant.
Genome position (GRCh38, 1-based): chr6:123,570,982, A>T on the plus strand (T>A on the coding strand, the complement: TRDN is on the minus strand). VCF-style: chr6-123570982-A-T. GRCh37 (hg19) VCF-style: chr6-123892127-A-T.
Other names: c.173T>A, p.Ile58Asn (NM_001251987.2, NM_001256020.2, NM_001256021.2 and 2 more transcripts); short protein forms I58N.
Identifiers: ClinVar variation 1779178 (VCV001779178.2), dbSNP rs758502934, ClinGen allele CA3984455.